The following is an entry in ClinVar:

NM_001261826.3(AP3D1):c.1394G>T (p.Ser465Ile)

Gene: AP3D1 (adaptor related protein complex 3 subunit delta 1; minus strand). Cytogenetic location: 19p13.3.
Variant type: single nucleotide variant.
Coding change: c.1394G>T on transcript NM_001261826.3 (MANE Select); coding-DNA position 1394, G replaced by T.
Protein change: p.Ser465Ile; replaces serine 465 with isoleucine.
Molecular consequence: missense variant.
Genome position (GRCh38, 1-based): chr19:2,120,949, C>A on the plus strand (G>T on the coding strand, the complement: AP3D1 is on the minus strand). VCF-style: chr19-2120949-C-A. GRCh37 (hg19) VCF-style: chr19-2120948-C-A.
Other names: c.1394G>T, p.Ser465Ile (NM_001374799.1, NM_003938.8); short protein forms S465I.
Identifiers: ClinVar variation 1348434 (VCV001348434.6), dbSNP rs2018591864, ClinGen allele CA403223189.
Genomic context (GRCh38, chr19:2,120,949, plus strand): 5'-GCAGCGTACAGCACCTCACAGATCCCGTTCCGCTGGGTGCTGCTGGCCAGCAGGTGTGCA[C>A]TGTCAAGCAGCGCAGACATCTGGGACACGGCGAACTTGCGGATGGCCTTCACGCGGATGG-3'
Protein context (NP_001248755.1, residues 455-475): AVSQMSALLD[Ser465Ile]AHLLASSTQR

ClinVar aggregate classification (germline): Uncertain significance (1 of 4 stars; one submission).

Allele frequency attached by ClinVar (database versions not stated): gnomAD exomes below 0.00001.
gnomAD v4.1: 2 of 1,612,178 alleles (0.00012%); highest among the groups gnomAD compares: Non-Finnish European, 0.00017%; no homozygotes.

Submission:

Labcorp Genetics (formerly Invitae), Labcorp
Classification: Uncertain significance. Last evaluated: 2021-08-23. Review status: criteria provided, single submitter. Criteria: Invitae Variant Classification Sherloc (09022015). Collection method: clinical testing. Allele origin: germline.
Comment: This variant is not present in population databases (ExAC no frequency). This sequence change replaces serine with isoleucine at codon 465 of the AP3D1 protein (p.Ser465Ile). The serine residue is moderately conserved and there is a large physicochemical difference between serine and isoleucine. This variant has not been reported in the literature in individuals affected with AP3D1-related conditions. Algorithms developed to predict the effect of missense changes on protein structure and function are either unavailable or do not agree on the potential impact of this missense change (SIFT: "Deleterious"; PolyPhen-2: "Benign"; Align-GVGD: "Class C15"). In summary, the available evidence is currently insufficient to determine the role of this variant in disease. Therefore, it has been classified as a Variant of Uncertain Significance.